The following is an entry in ClinVar:

NM_006269.2(RP1):c.3472T>G (p.Ser1158Ala)

Gene: RP1 (RP1 axonemal microtubule associated; plus strand). Cytogenetic location: 8q12.1.
Variant type: single nucleotide variant.
Coding change: c.3472T>G on transcript NM_006269.2 (MANE Select); coding-DNA position 3472, T replaced by G.
Protein change: p.Ser1158Ala; replaces serine 1158 with alanine.
Molecular consequence: missense variant. On other transcripts: intron variant (1).
Genome position (GRCh38, 1-based): chr8:54,627,354, T>G. VCF-style: chr8-54627354-T-G. GRCh37 (hg19) VCF-style: chr8-55539914-T-G.
Other names: c.787+5066T>G (NM_001375654.1); short protein forms S1158A.
Identifiers: ClinVar variation 1354928 (VCV001354928.6), dbSNP rs1806093923, ClinGen allele CA370996432.
Genomic context (GRCh38, chr8:54,627,354, plus strand): 5'-CTAAAGGGAAGTATGAATAGCTTCTGTCAAGTTGATGCTCACAAGGCTACCAACAAATCT[T>G]CAGAAACACTTGCATTGTTGGAGATTCTAAAGCACATAGCTATCACAGAGGAAGCTGATG-3'
Protein context (NP_006260.1, residues 1148-1168): VDAHKATNKS[Ser1158Ala]ETLALLEILK

ClinVar aggregate classification (germline): Uncertain significance (1 of 4 stars; one submission).

Submission:

Labcorp Genetics (formerly Invitae), Labcorp
Classification: Uncertain significance. Last evaluated: 2021-12-20. Review status: criteria provided, single submitter. Criteria: Invitae Variant Classification Sherloc (09022015). Collection method: clinical testing. Allele origin: germline.
Comment: This sequence change replaces serine, which is neutral and polar, with alanine, which is neutral and non-polar, at codon 1158 of the RP1 protein (p.Ser1158Ala). This variant is not present in population databases (gnomAD no frequency). This variant has not been reported in the literature in individuals affected with RP1-related conditions. Algorithms developed to predict the effect of missense changes on protein structure and function output the following: SIFT: "Deleterious"; PolyPhen-2: "Benign"; Align-GVGD: "Class C0". The alanine amino acid residue is found in multiple mammalian species, which suggests that this missense change does not adversely affect protein function. In summary, the available evidence is currently insufficient to determine the role of this variant in disease. Therefore, it has been classified as a Variant of Uncertain Significance.